The following is an entry in ClinVar:

NM_001330288.2(SMARCC2):c.1397G>C (p.Arg466Pro)

Gene: SMARCC2 (SWI/SNF related BAF chromatin remodeling complex subunit C2; minus strand). Cytogenetic location: 12q13.2.
Variant type: single nucleotide variant.
Coding change: c.1397G>C on transcript NM_001330288.2 (MANE Select); coding-DNA position 1397, G replaced by C.
Protein change: p.Arg466Pro; replaces arginine 466 with proline.
Molecular consequence: missense variant.
Genome position (GRCh38, 1-based): chr12:56,174,750, C>G on the plus strand (G>C on the coding strand, the complement: SMARCC2 is on the minus strand). VCF-style: chr12-56174750-C-G. GRCh37 (hg19) VCF-style: chr12-56568534-C-G.
Other names: c.1397G>C, p.Arg466Pro (NM_001130420.3, NM_003075.5, NM_139067.4); short protein forms R466P.
Identifiers: ClinVar variation 4533304 (VCV004533304.1).

ClinVar aggregate classification (germline): Uncertain significance (1 of 4 stars; one submission).

Conditions:
Coffin-Siris syndrome 1 (CSS1). Also called: Mental retardation, autosomal dominant 12; ARID1B-Related Coffin-Siris Syndrome. Identifiers: Orphanet 1465, MedGen C3281201, MONDO:0007617, OMIM 135900. Disease mechanism: gain of function.

Submission:

Institute of Human Genetics, University of Leipzig Medical Center
Classification: Uncertain significance for Coffin-Siris syndrome 1. Last evaluated: 2025-11-04. Review status: criteria provided, single submitter. Criteria: ACMG Guidelines, 2015. Collection method: clinical testing. Allele origin: unknown. Inheritance: Autosomal dominant inheritance. Affected: yes.
Comment: Criteria applied: PM2,PP2,PP3